The following is an entry in ClinVar:

NM_014171.6(CRIPT):c.4G>A (p.Val2Met)

Gene: CRIPT (CXXC repeat containing interactor of PDZ3 domain; plus strand). Cytogenetic location: 2p21.
Variant type: single nucleotide variant.
Coding change: c.4G>A on transcript NM_014171.6 (MANE Select); coding-DNA position 4, G replaced by A.
Protein change: p.Val2Met; replaces valine 2 with methionine.
Molecular consequence: missense variant.
Genome position (GRCh38, 1-based): chr2:46,617,286, G>A. VCF-style: chr2-46617286-G-A. GRCh37 (hg19) VCF-style: chr2-46844425-G-A.
Other names: short protein forms V2M.
Identifiers: ClinVar variation 5037667 (VCV005037667.1).

ClinVar aggregate classification (germline): Uncertain significance (1 of 4 stars; one submission).

Submission:

GeneDx
Classification: Uncertain significance. Last evaluated: 2026-04-26. Review status: criteria provided, single submitter. Criteria: GeneDx Variant Classification Process June 2021. Collection method: clinical testing. Allele origin: germline.
Comment: Not observed at significant frequency in large population cohorts (gnomAD); In silico analysis supports that this missense variant has a deleterious effect on protein structure/function; Has not been previously published as pathogenic or benign to our knowledge